The following is an entry in ClinVar:

NM_015570.4(AUTS2):c.2083C>G (p.Leu695Val)

Gene: AUTS2 (activator of transcription and developmental regulator AUTS2; plus strand). Cytogenetic location: 7q11.22.
Variant type: single nucleotide variant.
Coding change: c.2083C>G on transcript NM_015570.4 (MANE Select); coding-DNA position 2083, C replaced by G.
Protein change: p.Leu695Val; replaces leucine 695 with valine.
Molecular consequence: missense variant.
Genome position (GRCh38, 1-based): chr7:70,781,693, C>G. VCF-style: chr7-70781693-C-G. GRCh37 (hg19) VCF-style: chr7-70246679-C-G.
Other names: c.2011C>G, p.Leu671Val (NM_001127231.3); short protein forms L671V, L695V.
Identifiers: ClinVar variation 3008509 (VCV003008509.3), dbSNP rs2484862027, ClinGen allele CA367663164.
Genomic context (GRCh38, chr7:70,781,693, plus strand): 5'-CCACATAAGCTGGACTTTGGACTGAAACCTGAGTTCCTGAGCCGCCCTCCAGGCCCCAGT[C>G]TTTTTGGAGCCATCCACCACCCCCATGACCTGGCACGGCCTTCAACTTTGTTCTCTGCCG-3'
Protein context (NP_056385.1, residues 685-705): EFLSRPPGPS[Leu695Val]FGAIHHPHDL

ClinVar aggregate classification (germline): Uncertain significance (1 of 4 stars; one submission).

Submission:

Labcorp Genetics (formerly Invitae), Labcorp
Classification: Uncertain significance. Last evaluated: 2023-07-26. Review status: criteria provided, single submitter. Criteria: Invitae Variant Classification Sherloc (09022015). Collection method: clinical testing. Allele origin: germline.
Comment: In summary, the available evidence is currently insufficient to determine the role of this variant in disease. Therefore, it has been classified as a Variant of Uncertain Significance. Advanced modeling of protein sequence and biophysical properties (such as structural, functional, and spatial information, amino acid conservation, physicochemical variation, residue mobility, and thermodynamic stability) performed at Invitae indicates that this missense variant is not expected to disrupt AUTS2 protein function. This variant has not been reported in the literature in individuals affected with AUTS2-related conditions. This variant is not present in population databases (gnomAD no frequency). This sequence change replaces leucine, which is neutral and non-polar, with valine, which is neutral and non-polar, at codon 695 of the AUTS2 protein (p.Leu695Val).